The following is an entry in ClinVar:

ClinVar aggregate classification (germline): Likely pathogenic (1 of 4 stars; one submission).

Submission:

Labcorp Genetics (formerly Invitae), Labcorp
Classification: Likely pathogenic. Last evaluated: 2022-07-03. Review status: criteria provided, single submitter. Criteria: Invitae Variant Classification Sherloc (09022015). Collection method: clinical testing. Allele origin: germline.
Comment: This sequence change replaces tryptophan, which is neutral and slightly polar, with arginine, which is basic and polar, at codon 1002 of the SLC12A3 protein (p.Trp1002Arg). In summary, the currently available evidence indicates that the variant is pathogenic, but additional data are needed to prove that conclusively. Therefore, this variant has been classified as Likely Pathogenic. This variant disrupts the p.Trp1002 amino acid residue in SLC12A3. Other variant(s) that disrupt this residue have been determined to be pathogenic (PMID: 21415153). This suggests that this residue is clinically significant, and that variants that disrupt this residue are likely to be disease-causing. Advanced modeling of protein sequence and biophysical properties (such as structural, functional, and spatial information, amino acid conservation, physicochemical variation, residue mobility, and thermodynamic stability) performed at Invitae indicates that this missense variant is expected to disrupt SLC12A3 protein function. This variant has not been reported in the literature in individuals affected with SLC12A3-related conditions. This variant is not present in population databases (gnomAD no frequency).

Literature cited by the submitters: PubMed 21415153.

NM_001126108.2(SLC12A3):c.2977T>C (p.Trp993Arg)

Genes: SLC12A3 (solute carrier family 12 member 3; plus strand), LOC126862361 (CDK7 strongly-dependent group 2 enhancer GRCh37_chr16:56946332-56947531; plus strand). Cytogenetic location: 16q13.
Variant type: single nucleotide variant.
Coding change: c.2977T>C on transcript NM_001126108.2 (MANE Select); coding-DNA position 2977, T replaced by C.
Protein change: p.Trp993Arg; replaces tryptophan 993 with arginine.
Molecular consequence: missense variant.
Genome position (GRCh38, 1-based): chr16:56,913,316, T>C. VCF-style: chr16-56913316-T-C. GRCh37 (hg19) VCF-style: chr16-56947228-T-C.
Other names: c.3004T>C, p.Trp1002Arg (NM_000339.3); c.3001T>C, p.Trp1001Arg (NM_001126107.2); c.2974T>C, p.Trp992Arg (NM_001410896.1); short protein forms W1002R, W992R, W1001R, W993R.
Identifiers: ClinVar variation 2013754 (VCV002013754.4), dbSNP rs2543584650, ClinGen allele CA396005870.